The following is an entry in ClinVar:

NM_002860.4(ALDH18A1):c.1393G>A (p.Glu465Lys)

Gene: ALDH18A1 (aldehyde dehydrogenase 18 family member A1; minus strand). Cytogenetic location: 10q24.1.
Variant type: single nucleotide variant.
Coding change: c.1393G>A on transcript NM_002860.4 (MANE Select); coding-DNA position 1393, G replaced by A.
Protein change: p.Glu465Lys; replaces glutamic acid 465 with lysine.
Molecular consequence: missense variant.
Genome position (GRCh38, 1-based): chr10:95,621,105, C>T on the plus strand (G>A on the coding strand, the complement: ALDH18A1 is on the minus strand). VCF-style: chr10-95621105-C-T. GRCh37 (hg19) VCF-style: chr10-97380862-C-T.
Other names: c.1387G>A, p.Glu463Lys (NM_001017423.2, NM_001323415.2); c.1060G>A, p.Glu354Lys (NM_001323412.2, NM_001323416.2); c.1393G>A, p.Glu465Lys (NM_001323413.2, NM_001323414.2); c.1288G>A, p.Glu430Lys (NM_001323417.2); c.1054G>A, p.Glu352Lys (NM_001323418.2); c.757G>A, p.Glu253Lys (NM_001323419.2); short protein forms E430K, E253K, E463K, E465K, E352K, E354K.
Identifiers: ClinVar variation 872769 (VCV000872769.50), dbSNP rs757876226, ClinGen allele CA5620328.
Genomic context (GRCh38, chr10:95,621,105, plus strand): 5'-CAGGACGAGATTCAAAGATCACCAGCAGAACTCCAATTGGGACAGTCACTTGTTCCAGTT[C>T]CAAGTTTTTGGCGATTCGGGTGCGGCGCAAAACACGTCCCACGCTGTCCTGGGAGGAGGC-3'
Protein context (NP_002851.2, residues 455-475): LRRTRIAKNL[Glu465Lys]LEQVTVPIGV

ClinVar aggregate classification (germline): Uncertain significance. Review status: criteria provided, multiple submitters, no conflicts (2 of 4 stars). 6 submissions from 6 submitters: Uncertain significance (6). Last evaluated 2025-11-24.

Conditions:
Hereditary spastic paraplegia 9A. Also called: SPASTIC PARAPLEGIA 9A, AUTOSOMAL DOMINANT; SPASTIC PARAPARESIS WITH AMYOTROPHY, CATARACTS, AND GASTROESOPHAGEAL REFLUX; CATARACTS WITH MOTOR NEURONOPATHY, SHORT STATURE, AND SKELETAL ABNORMALITIES. Identifiers: Orphanet 100990, Orphanet 447753, MedGen C5568978, MONDO:0011006, OMIM 601162.
ALDH18A1-related de Barsy syndrome. Also called: DE BARSY SYNDROME A; Cutis laxa, autosomal recessive IIIA. Identifiers: Orphanet 2962, Orphanet 35664, MedGen C5234852, MONDO:0009053, OMIM 219150.
Autosomal dominant spastic paraplegia type 9. Identifiers: MedGen C1832669, MONDO:0015091.
de Barsy syndrome. Also called: Cutis laxa-corneal clouding-oligophrenia syndrome. Identifiers: Orphanet 2962, MedGen C0268354, MONDO:0017569.
Cutis laxa, autosomal dominant 3 (ADCL3). Identifiers: Orphanet 90348, MedGen C4225268, MONDO:0014706, OMIM 616603.
Inborn genetic diseases. Identifiers: MedGen C0950123, MeSH D030342.

Allele frequency attached by ClinVar (database versions not stated): ExAC 0.00006; gnomAD 0.00003 and 0.00004; TOPMed 0.00003; gnomAD exomes 0.00005.
gnomAD v4.1: 48 of 1,613,966 alleles (0.003%); highest among the groups gnomAD compares: Non-Finnish European, 0.0038%; no homozygotes.

Submissions (6):

Ambry Genetics
Classification: Uncertain significance for Inborn genetic diseases. Last evaluated: 2025-11-24. Review status: criteria provided, single submitter. Criteria: Ambry Variant Classification Scheme 2023. Collection method: clinical testing. Allele origin: germline.
Comment: The c.1393G>A (p.E465K) alteration is located in exon 12 (coding exon 11) of the ALDH18A1 gene. This alteration results from a G to A substitution at nucleotide position 1393, causing the glutamic acid (E) at amino acid position 465 to be replaced by a lysine (K). Based on data from gnomAD, the A allele has an overall frequency of 0.005% (14/282782) total alleles studied. The highest observed frequency was 0.014% (1/7220) of Other alleles. Based on insufficient or conflicting evidence, the clinical significance of this alteration remains unclear.

Labcorp Genetics (formerly Invitae), Labcorp
Classification: Uncertain significance for Autosomal dominant spastic paraplegia type 9; de Barsy syndrome; Cutis laxa, autosomal dominant 3. Last evaluated: 2025-10-15. Review status: criteria provided, single submitter. Criteria: Invitae Variant Classification Sherloc (09022015). Collection method: clinical testing. Allele origin: germline.
Comment: This sequence change replaces glutamic acid, which is acidic and polar, with lysine, which is basic and polar, at codon 465 of the ALDH18A1 protein (p.Glu465Lys). This variant is present in population databases (rs757876226, gnomAD 0.01%). This variant has not been reported in the literature in individuals affected with ALDH18A1-related conditions. ClinVar contains an entry for this variant (Variation ID: 872769). Invitae Evidence Modeling of protein sequence and biophysical properties (such as structural, functional, and spatial information, amino acid conservation, physicochemical variation, residue mobility, and thermodynamic stability) has been performed for this missense variant. However, the output from this modeling did not meet the statistical confidence thresholds required to predict the impact of this variant on ALDH18A1 protein function. In summary, the available evidence is currently insufficient to determine the role of this variant in disease. Therefore, it has been classified as a Variant of Uncertain Significance.

CeGaT Center for Human Genetics Tuebingen
Classification: Uncertain significance. Last evaluated: 2024-01-01. Review status: criteria provided, single submitter. Criteria: CeGaT Center For Human Genetics Tuebingen Variant Classification Criteria Version 2. Collection method: clinical testing. Allele origin: germline. Affected: yes. Observed: 5 variant alleles.

GeneDx
Classification: Uncertain significance. Last evaluated: 2023-12-21. Review status: criteria provided, single submitter. Criteria: GeneDx Variant Classification Process June 2021. Collection method: clinical testing. Allele origin: germline. Affected: yes.
Comment: Has not been previously published as pathogenic or benign to our knowledge; In silico analysis supports that this missense variant does not alter protein structure/function

Institute of Human Genetics, University of Leipzig Medical Center
Classification: Uncertain significance for Hereditary spastic paraplegia 9A. Last evaluated: 2020-01-22. Review status: criteria provided, single submitter. Criteria: ACMG Guidelines, 2015. Collection method: clinical testing. Allele origin: germline. Affected: yes. Observed: 1 variant allele.

Illumina Laboratory Services, Illumina
Classification: Uncertain significance for ALDH18A1-related de Barsy syndrome. Last evaluated: 2018-01-12. Review status: criteria provided, single submitter. Criteria: ICSL Variant Classification Criteria 13 December 2019. Collection method: clinical testing. Allele origin: germline.